The following is an entry in ClinVar:

NM_006662.3(SRCAP):c.8454C>T (p.Pro2818=)

Gene: SRCAP (Snf2 related CREBBP activator protein; plus strand). Cytogenetic location: 16p11.2.
Variant type: single nucleotide variant.
Coding change: c.8454C>T on transcript NM_006662.3 (MANE Select); coding-DNA position 8454, C replaced by T.
Protein change: p.Pro2818=; no amino-acid change (proline 2818 retained).
Molecular consequence: synonymous variant.
Genome position (GRCh38, 1-based): chr16:30,738,494, C>T. VCF-style: chr16-30738494-C-T. GRCh37 (hg19) VCF-style: chr16-30749815-C-T.
Identifiers: ClinVar variation 318903 (VCV000318903.13), dbSNP rs140511721, ClinGen allele CA8012697.
Genomic context (GRCh38, chr16:30,738,494, plus strand): 5'-GCCAGAATCCTCCCCTCCCATTGGTGGGCCCTGTGAAGCTGCTCCTTCATCCTCACTGCC[C>T]ACTCCACCCCAGCAGCCCTTCATTGCTCGCCGTCACATTGAGCTGGGGGTGACTGGTGGT-3'
Protein context (NP_006653.2, residues 2808-2828): PCEAAPSSSL[Pro2818=]TPPQQPFIAR

ClinVar aggregate classification (germline): Benign/Likely benign. Review status: criteria provided, multiple submitters, no conflicts (2 of 4 stars). 4 submissions from 4 submitters: Benign (2); Likely benign (2). Last evaluated 2025-12-11.

Conditions:
Developmental delay, hypotonia, musculoskeletal defects, and behavioral abnormalities. Identifiers: MedGen C5562012, MONDO:0859202, OMIM 619595.
Floating-Harbor syndrome (FLHS). Also called: Short stature with delayed bone age, expressive language delay, a triangular face with a prominent nose and deep-set eyes; Pelletier-Leisti syndrome; SRCAP-Related Floating-Harbor Syndrome. Identifiers: Orphanet 2044, MedGen C0729582, MONDO:0007621, OMIM 136140.
SRCAP-related disorder. Also called: SRCAP-related condition.

Allele frequency attached by ClinVar (database versions not stated): gnomAD exomes 0.00017 and 0.00042; ExAC 0.00053; 1000 Genomes Project 30x 0.00094; 1000 Genomes Project 0.00100; ESP Exome Variant Server 0.00139; gnomAD 0.00169 and 0.00185; TOPMed 0.00194.
gnomAD v4.1: 506 of 1,605,576 alleles (0.032%); highest among the groups gnomAD compares: African/African-American, 0.6%; 3 homozygotes.

Submissions (4):

Labcorp Genetics (formerly Invitae), Labcorp
Classification: Benign. Last evaluated: 2025-12-11. Review status: criteria provided, single submitter. Criteria: Invitae Variant Classification Sherloc (09022015). Collection method: clinical testing. Allele origin: germline.

PreventionGenetics, part of Exact Sciences
Classification: Likely benign for SRCAP-related condition. Last evaluated: 2024-10-17. Review status: criteria provided, single submitter. Criteria: ACMG Guidelines, 2015. Collection method: clinical testing. Allele origin: germline.
Comment: This variant is classified as likely benign based on ACMG/AMP sequence variant interpretation guidelines (Richards et al. 2015 PMID: 25741868, with internal and published modifications).

Blueprint Genetics
Classification: Likely benign. Last evaluated: 2024-10-09. Review status: criteria provided, single submitter. Criteria: ACMG Guidelines, 2015. Collection method: clinical testing. Allele origin: germline.

Fulgent Genetics
Classification: Benign for Floating-Harbor syndrome; Developmental delay, hypotonia, musculoskeletal defects, and behavioral abnormalities. Last evaluated: 2021-09-01. Review status: criteria provided, single submitter. Criteria: ACMG Guidelines, 2015. Collection method: clinical testing. Allele origin: unknown.